The following is an entry in ClinVar:

NM_001009944.3(PKD1):c.1543G>T (p.Gly515Trp)

Gene: PKD1 (polycystin 1, transient receptor potential channel interacting; minus strand). Cytogenetic location: 16p13.3.
Variant type: single nucleotide variant.
Coding change: c.1543G>T on transcript NM_001009944.3 (MANE Select); coding-DNA position 1543, G replaced by T.
Protein change: p.Gly515Trp; replaces glycine 515 with tryptophan.
Molecular consequence: missense variant.
Genome position (GRCh38, 1-based): chr16:2,116,896, C>A on the plus strand (G>T on the coding strand, the complement: PKD1 is on the minus strand). VCF-style: chr16-2116896-C-A. GRCh37 (hg19) VCF-style: chr16-2166897-C-A.
Other names: c.1543G>T, p.Gly515Trp (NM_000296.4); short protein forms G515W.
Identifiers: ClinVar variation 974404 (VCV000974404.4), dbSNP rs1555458704, ClinGen allele CA394391791.

ClinVar aggregate classification (germline): Conflicting classifications of pathogenicity. Review status: criteria provided, conflicting classifications (1 of 4 stars). 4 submissions from 4 submitters: Pathogenic (1); Likely pathogenic (2); Uncertain significance (1). Last evaluated 2026-07-02.

Conditions:
Polycystic kidney disease, adult type (PKD1). Also called: POLYCYSTIC KIDNEY DISEASE 1 WITH OR WITHOUT POLYCYSTIC LIVER DISEASE; Polycystic Kidney, Autosomal Dominant; Polycystic Kidney Disease 1, Autosomal Dominant; Polycystic kidney disease 1; Polycystic kidney disease 1, severe; POLYCYSTIC KIDNEY DISEASE, ADULT, TYPE I. Identifiers: MedGen C3149841, MONDO:0008263, OMIM 173900.

Submissions (4):

Women's Health and Genetics/Laboratory Corporation of America, LabCorp
Classification: Uncertain significance. Last evaluated: 2026-07-02. Review status: criteria provided, single submitter. Criteria: LabCorp Variant Classification Summary - May 2015. Collection method: clinical testing. Allele origin: germline.
Comment: Variant summary: PKD1 c.1543G>T (p.Gly515Trp) results in a non-conservative amino acid change in the encoded protein sequence. Algorithms developed to predict the effect of missense changes on protein structure and function are either unavailable or do not agree on the potential impact of this missense change. The variant was absent in 130254 control chromosomes. The available data on variant occurrences in the general population are insufficient to allow any conclusion about variant significance. c.1543G>T has been observed in settings of multigene panel testing among cohorts of individual(s) affected with features of ADPKD/PKD1-related conditions with no concrete evidence of segregation with disease and/or clinical correlation information (example, Cornec-LeGall_2013, Chebib_2017, Bullich_2018, Domingo-Gallego_2022, Kim_2019). These report(s) do not provide unequivocal conclusions about association of the variant with disease. A different variant affecting the same codon has been classified as likely pathogenic by our lab (c.1543G>A, p.Gly515Arg), supporting the critical relevance of codon 515 to PKD1 protein function. To our knowledge, no experimental evidence demonstrating an impact on protein function has been reported. The following publications have been ascertained in the context of this evaluation (PMID: 29801666, 29270497, 23431072, 33532864, 31740684). ClinVar contains an entry for this variant (Variation ID: 974404). Based on the evidence outlined above, the variant was classified as uncertain significance.

Victorian Clinical Genetics Services, Murdoch Childrens Research Institute
Classification: Pathogenic for Polycystic kidney disease, adult type. Last evaluated: 2026-04-26. Review status: criteria provided, single submitter. Criteria: ACMG Guidelines, 2015. Collection method: clinical testing. Allele origin: germline. Affected: yes.
Comment: This variant is classified as Pathogenic. Evidence in support of pathogenic classification: Variant is present in gnomAD <0.001 for a dominant condition (v4: 1 heterozygote(s), 0 homozygote(s)); This variant has strong previous evidence of pathogenicity in unrelated individuals. This variant has been reported in multiple individuals with ADPKD (PMID: 23431072, 29270497, 29801666, 31740684). It has been classified as likely pathogenic by a clinical laboratory in ClinVar; Missense variant predicted to be damaging by in silico tool(s) or highly conserved with a major amino acid change. Additional information: Variant is predicted to result in a missense amino acid change from Gly to Trp; This variant is heterozygous; This gene is associated with autosomal dominant disease. Polycystic kidney disease 1 (MIM#173900) is predominantly caused by monoallelic variants, with rare reports of biallelic variants causing disease (OMIM); Variant is located in the annotated Lectin C-type domain (DECIPHER); Loss of function is a known mechanism of disease in this gene and is associated with polycystic kidney disease 1 (MIM#173900); Inheritance information for this variant is not currently available in this individual.

Clinical Genetics Laboratory, Skane University Hospital Lund
Classification: Likely pathogenic. Last evaluated: 2022-12-01. Review status: criteria provided, single submitter. Criteria: ACMG Guidelines, 2015. Collection method: clinical testing. Allele origin: germline. Affected: yes.

Molecular Biology Laboratory, Fundació Puigvert
Classification: Likely pathogenic for Polycystic kidney disease, adult type. Last evaluated: 2020-02-01. Review status: criteria provided, single submitter. Criteria: ACMG Guidelines, 2015. Collection method: research. Allele origin: germline. Affected: yes. Study: KidneyPanel_2020.

Literature cited by the submitters: PubMed 29801666 (cited by Women's Health and Genetics/Laboratory Corporation of America, LabCorp and Victorian Clinical Genetics Services, Murdoch Childrens Research Institute); PubMed 29270497 (cited by Women's Health and Genetics/Laboratory Corporation of America, LabCorp and Victorian Clinical Genetics Services, Murdoch Childrens Research Institute); PubMed 33532864 (cited by Women's Health and Genetics/Laboratory Corporation of America, LabCorp and Molecular Biology Laboratory, Fundació Puigvert); PubMed 23431072 (cited by Women's Health and Genetics/Laboratory Corporation of America, LabCorp and Victorian Clinical Genetics Services, Murdoch Childrens Research Institute); PubMed 31740684 (cited by Women's Health and Genetics/Laboratory Corporation of America, LabCorp and Victorian Clinical Genetics Services, Murdoch Childrens Research Institute).